The following is an entry in ClinVar:

ClinVar aggregate classification (germline): Pathogenic. Review status: criteria provided, multiple submitters, no conflicts (2 of 4 stars). 3 submissions from 3 submitters: Pathogenic (2). 1 of the submissions does not count toward it. Last evaluated 2026-05-20.

Conditions:
Hearing loss, autosomal dominant 73. Also called: DEAFNESS, AUTOSOMAL DOMINANT 73. Identifiers: MedGen C4540024, MONDO:0033260, OMIM 617663.
Autosomal recessive nonsyndromic hearing loss 84A. Also called: DEAFNESS, AUTOSOMAL RECESSIVE 84A; DEAFNESS, AUTOSOMAL RECESSIVE 84A, WITH VESTIBULAR DYSFUNCTION. Identifiers: Orphanet 90636, MedGen C3150654, MONDO:0013249, OMIM 613391.

Allele frequency attached by ClinVar (database versions not stated): gnomAD exomes below 0.00001.
gnomAD v4.1: 2 of 1,548,396 alleles (0.00013%); highest among the groups gnomAD compares: African/African-American, 0.0027%; no homozygotes.

Submissions (3):

GeneDx
Classification: Pathogenic. Last evaluated: 2026-05-20. Review status: criteria provided, single submitter. Criteria: GeneDx Variant Classification Process June 2021. Collection method: clinical testing. Allele origin: germline.
Comment: Canonical splice site variant predicted to result in a null allele in a gene for which loss of function is a known mechanism of disease; Not observed at significant frequency in large population cohorts (gnomAD); Has not been previously published in association with a PTPRQ-related disorder to our knowledge; This variant is associated with the following publications: (PMID: 34758253)

First Genomix Gene Laboratory, Genetic Diagnostics Department
Classification: Pathogenic for Autosomal recessive nonsyndromic hearing loss 84A. Last evaluated: 2025-09-16. Review status: criteria provided, single submitter. Criteria: ACMG Guidelines, 2015. Collection method: clinical testing. Allele origin: germline. Inheritance: Autosomal recessive inheritance. Affected: no. Observed: 1 variant allele.

Genomics England Pilot Project, Genomics England
Classification: Likely pathogenic for Hearing loss, autosomal dominant 73. Review status: no assertion criteria provided. Criteria: ACGS Guidelines, 2016. Collection method: clinical testing. Allele origin: germline. Affected: yes. Not counted in ClinVar's aggregate classification.

NM_001145026.2(PTPRQ):c.6024+2T>C

Gene: PTPRQ (protein tyrosine phosphatase receptor type Q; plus strand). Cytogenetic location: 12q21.31.
Variant type: single nucleotide variant.
Coding change: c.6024+2T>C on transcript NM_001145026.2 (MANE Select); the canonical splice donor site of the intron after coding-DNA position 6024, T replaced by C.
Molecular consequence: splice donor variant.
Genome position (GRCh38, 1-based): chr12:80,649,671, T>C. VCF-style: chr12-80649671-T-C. GRCh37 (hg19) VCF-style: chr12-81043450-T-C.
Identifiers: ClinVar variation 1184601 (VCV001184601.4), dbSNP rs2121223982, ClinGen allele CA385935267.